The following is an entry in ClinVar:

NM_017934.7(PHIP):c.5364G>C (p.Arg1788Ser)

Genes: IRAK1BP1 (interleukin 1 receptor associated kinase 1 binding protein 1; plus strand), PHIP (PHIP subunit of CUL4-Ring ligase complex; minus strand). Cytogenetic location: 6q14.1.
Variant type: single nucleotide variant.
Coding change: c.5364G>C on transcript NM_017934.7 (MANE Select); coding-DNA position 5364, G replaced by C.
Protein change: p.Arg1788Ser; replaces arginine 1788 with serine.
Molecular consequence: missense variant.
Genome position (GRCh38, 1-based): chr6:78,940,795, C>G on the plus strand (G>C on the coding strand, the complement: PHIP is on the minus strand). VCF-style: chr6-78940795-C-G. GRCh37 (hg19) VCF-style: chr6-79650512-C-G.
Other names: short protein forms R1788S.
Identifiers: ClinVar variation 4998583 (VCV004998583.1).

ClinVar aggregate classification (germline): Uncertain significance (1 of 4 stars; one submission).

Conditions:
PHIP-related disorder. Also called: PHIP-related disorders; PHIP-related condition.

Submission:

PreventionGenetics, part of Exact Sciences
Classification: Uncertain significance for PHIP-related condition. Last evaluated: 2025-04-08. Review status: criteria provided, single submitter. Criteria: ACMG Guidelines, 2015. Collection method: clinical testing. Allele origin: germline.
Comment: The PHIP c.5364G>C variant is predicted to result in the amino acid substitution p.Arg1788Ser. To our knowledge, this variant has not been reported in the literature or in a large population database (gnomAD), indicating this variant is rare. At this time, the clinical significance of this variant is uncertain due to the absence of conclusive functional and genetic evidence.